The following is an entry in ClinVar:

ClinVar aggregate classification (germline): Conflicting classifications of pathogenicity. Review status: criteria provided, conflicting classifications (1 of 4 stars). 6 submissions from 6 submitters: Pathogenic (2); Likely pathogenic (2); Uncertain significance (2). Last evaluated 2025-06-05.

Conditions:
Inherited ovarian cancer (without breast cancer).
Hereditary cancer-predisposing syndrome. Also called: Hereditary Cancer Syndrome; Neoplastic Syndromes, Hereditary; Hereditary neoplastic syndrome; Tumor predisposition. Identifiers: Orphanet 140162, MedGen C0027672, MeSH D009386, MONDO:0015356.
Hereditary breast ovarian cancer syndrome. Also called: Hereditary breast and ovarian cancer syndrome (HBOC); Breast and ovarian cancer; Hereditary breast and ovarian cancer syndrome; Hereditary breast and ovarian cancer; BRCA1- and BRCA2-Associated Hereditary Breast and Ovarian Cancer; Hereditary breast and/or ovarian cancer syndrome. Identifiers: Orphanet 145, MedGen C0677776, MeSH D061325, MONDO:0003582. Disease mechanism: loss of function.
Breast-ovarian cancer, familial, susceptibility to, 1 (BROVCA1). Also called: BRCA1 Hereditary Breast and Ovarian Cancer; OVARIAN CANCER, SUSCEPTIBILITY TO. Identifiers: Orphanet 145, MedGen C2676676, MONDO:0011450, OMIM 604370. Disease mechanism: loss of function.

Submissions (6):

NHS Central & South Genomic Laboratory Hub
Classification: Uncertain significance for Inherited ovarian cancer (without breast cancer). Last evaluated: 2025-06-05. Review status: criteria provided, single submitter. Criteria: ACMG Guidelines, 2015. Collection method: clinical testing. Allele origin: germline. Affected: yes.

Labcorp Genetics (formerly Invitae), Labcorp
Classification: Pathogenic for Hereditary breast ovarian cancer syndrome. Last evaluated: 2025-03-25. Review status: criteria provided, single submitter. Criteria: Invitae Variant Classification Sherloc (09022015). Collection method: clinical testing. Allele origin: germline.
Comment: This sequence change affects an acceptor splice site in intron 9 of the BRCA1 gene. RNA analysis indicates that disruption of this splice site induces altered splicing and may result in an absent or altered protein product. This variant is not present in population databases (gnomAD no frequency). Disruption of this splice site has been observed in individual(s) with personal and/or family history of breast and/or ovarian cancer (PMID: 22711857, 26689913, 29446198). ClinVar contains an entry for this variant (Variation ID: 267617). Studies have shown that disruption of this splice site results in skipping of exon 10, and produces a non-functional protein and/or introduces a premature termination codon (PMID: 24212087; internal data). This variant disrupts the nuclear localization signal, DNA binding domain and coiled-coil domain of BRCA1, which mediate interactions with RAD51, RAD50 and PALB2 (PMID: 25652403, 22737296). While functional studies have not been performed to directly test the effect of this variant on BRCA1 protein function, this suggests that disruption of this region of the protein is causative of disease. For these reasons, this variant has been classified as Pathogenic.

Ambry Genetics
Classification: Likely pathogenic for Hereditary cancer-predisposing syndrome. Last evaluated: 2021-04-02. Review status: criteria provided, single submitter. Criteria: Ambry Variant Classification Scheme 2023. Collection method: clinical testing. Allele origin: germline.
Comment: The c.671-2A>G intronic variant results from an A to G substitution two nucleotides upstream from coding exon 9 in the BRCA1 gene. This nucleotide position is highly conserved in available vertebrate species. In silico splice site analysis predicts that this alteration will weaken the native splice acceptor site. Alterations that disrupt the canonical splice site are expected to cause aberrant splicing, resulting in an abnormal protein or a transcript that is subject to nonsense-mediated mRNA decay; however this exon, which comprises over 50% of the BRCA1 protein, is absent in part or in whole in naturally occurring alternative splicing isoforms (Colombo M et al. Hum Mol Genet 2014 Jul;23(14):3666-80). Functional studies have shown that loss of this exon may impair cellular localization and have reduced, but not lost, DNA damage repair function (Thakur S et al. Mol Cell Biol 1997 Jan;17(1):444-52, Huber LJ et al. Mol Cell Biol 2001 Jun;21(12):4005-15, Kim SS et al. Mol Cell Biol 2006 Sep;26(18):6983-92). Additionally, mouse embryos with homozygous BRCA1 coding exon 9 deletions survive longer than BRCA1-null embryos, suggesting protein without exon 9 may still be able to perform some BRCA1 essential functions (Huber LJ et al. Mol Cell Biol 2001 Jun;21(12):4005-15). Based on the majority of available evidence to date, this variant is likely pathogenic. However, carriers of this variant and their families may present with reduced risks, and not with the typical clinical characteristics of a high-risk pathogenic BRCA1 alteration. As risk estimates are unknown at this time, clinical correlation is advised.

GeneDx
Classification: Uncertain significance. Last evaluated: 2020-08-05. Review status: criteria provided, single submitter. Criteria: GeneDx Variant Classification Process June 2021. Collection method: clinical testing. Allele origin: germline. Affected: yes.
Comment: Canonical splice site variant resulting in multiple different transcripts, including full-length, in-frame deletion of exon 10, also known as exon 11 by alternate numbering, and various out-of-frame isoforms (Whiley 2014, Lattimore 2018, Lattimore 2019); Observed in individuals with ovarian cancer (Alsop 2012); Not observed in large population cohorts (Lek 2016); Also known as 790-2A>G or IVS10-2A>G; This variant is associated with the following publications: (PMID: 29774201, 20167696, 22711857, 30736279, 31131967, 24212087, 29446198)

Women's Health and Genetics/Laboratory Corporation of America, LabCorp
Classification: Likely pathogenic for Hereditary breast and ovarian cancer syndrome. Last evaluated: 2019-11-21. Review status: criteria provided, single submitter. Criteria: LabCorp Variant Classification Summary - May 2015. Collection method: clinical testing. Allele origin: germline.
Comment: Variant Summary: BRCA1 c.671-2A>G is located in a canonical splice-site and is predicted to affect mRNA splicing resulting in a significantly altered protein due to either exon skipping, shortening, or inclusion of intronic material. Several computational tools predict a significant impact on normal splicing: Four predict the variant abolishes a 3' acceptor site. Several publications report experimental evidence that this variant affects mRNA splicing with the most recent one confirming this observation utilizing RNA in situ hybridization to measure the absolute expression of BRCA1 mRNA splicing events in single lymphoblastoid cells containing this variant (Whiley_2014, Lattimore_2018, and Lattimore_2019). The variant was absent in 236750 control chromosomes. c.671-2A>G has been reported in at-least one individual the literature in a sequencing study of Australian women affected with Ovarian Cancer (Alsop_2012). This patient is also cited in the kConfab and Leiden Open Source variation databases and immortalized lymphoblastoid cell lines derived from this carrier were utilized in subsequent studies. In the absence of co-segregation studies, these report(s) do not provide unequivocal conclusions about association of the variant with Hereditary Breast and Ovarian Cancer. Two submitters have provided clinical-significance assessments for this variant to ClinVar after 2014 without evidence for independent evaluation. All submitters classified the variant as pathogenic using overlapping evidences utilized in the context of this evaluation. Based on the evidence outlined above, until additional clinical cases of patients and families with this variant are reported, it was re-classified as likely pathogenic.

Consortium of Investigators of Modifiers of BRCA1/2 (CIMBA), c/o University of Cambridge
Classification: Pathogenic for Breast-ovarian cancer, familial, susceptibility to, 1. Last evaluated: 2015-10-02. Review status: criteria provided, single submitter. Criteria: CIMBA Mutation Classification guidelines May 2016. Collection method: clinical testing. Allele origin: germline.

Literature cited by the submitters: PubMed 22711857 (cited by 3 submitters); PubMed 26689913 (cited by Labcorp Genetics (formerly Invitae), Labcorp); PubMed 29446198 (cited by Labcorp Genetics (formerly Invitae), Labcorp and Women's Health and Genetics/Laboratory Corporation of America, LabCorp); PubMed 24212087 (cited by 3 submitters); PubMed 25652403 (cited by Labcorp Genetics (formerly Invitae), Labcorp); PubMed 22737296 (cited by Labcorp Genetics (formerly Invitae), Labcorp); PubMed 30736279 (cited by Ambry Genetics and Women's Health and Genetics/Laboratory Corporation of America, LabCorp); PubMed 20167696 (cited by Women's Health and Genetics/Laboratory Corporation of America, LabCorp).

NM_007294.4(BRCA1):c.671-2A>G

Gene: BRCA1 (BRCA1 DNA repair associated; minus strand). Cytogenetic location: 17q21.31.
Variant type: single nucleotide variant.
Coding change: c.671-2A>G on transcript NM_007294.4 (MANE Select); the canonical splice acceptor site of the intron before coding-DNA position 671, A replaced by G.
Molecular consequence: splice acceptor variant. On other transcripts: intron variant (13).
Genome position (GRCh38, 1-based): chr17:43,094,862, T>C on the plus strand (A>G on the coding strand, the complement: BRCA1 is on the minus strand). VCF-style: chr17-43094862-T-C. GRCh37 (hg19) VCF-style: chr17-41246879-T-C.
Other names: c.530-2A>G (NM_001408458.1, NM_001408469.1, NM_001408453.1 and 43 more transcripts); c.-218-2A>G (NM_001407967.1, NM_001407966.1); c.290-2A>G (NM_001407959.1, NM_001408510.1, NM_001407963.1 and 1 more transcripts); c.404-2A>G (NM_001407931.1, NM_001407936.1, NM_001407932.1 and 5 more transcripts); c.527-2A>G (NM_001407747.1, NM_001408470.1, NM_001407848.1 and 26 more transcripts); c.287-2A>G (NM_001407962.1); c.167-2A>G (NM_001408512.1, NM_001407965.1); c.461-2A>G (NM_001407885.1, NM_001407886.1, NM_001407881.1 and 25 more transcripts); and 20 more.
Identifiers: ClinVar variation 267617 (VCV000267617.20), dbSNP rs80358108, ClinGen allele CA10600751.